The following is an entry in ClinVar:

NM_016151.4(TAOK2):c.1304C>A (p.Thr435Asn)

Gene: TAOK2 (TAO kinase 2; plus strand). Cytogenetic location: 16p11.2.
Variant type: single nucleotide variant.
Coding change: c.1304C>A on transcript NM_016151.4 (MANE Select); coding-DNA position 1304, C replaced by A.
Protein change: p.Thr435Asn; replaces threonine 435 with asparagine.
Molecular consequence: missense variant.
Genome position (GRCh38, 1-based): chr16:29,983,546, C>A. VCF-style: chr16-29983546-C-A. GRCh37 (hg19) VCF-style: chr16-29994867-C-A.
Other names: c.1304C>A, p.Thr435Asn (NM_001252043.2, NM_004783.4); short protein forms T435N.
Identifiers: ClinVar variation 2900776 (VCV002900776.3), dbSNP rs774195295, ClinGen allele CA7998106.

ClinVar aggregate classification (germline): Uncertain significance (1 of 4 stars; one submission).

Allele frequency attached by ClinVar (database versions not stated): gnomAD 0.00001; ExAC 0.00003; gnomAD exomes 0.00002.
gnomAD v4.1: 32 of 1,613,718 alleles (0.002%); highest among the groups gnomAD compares: Non-Finnish European, 0.0025%; no homozygotes.

Submission:

Labcorp Genetics (formerly Invitae), Labcorp
Classification: Uncertain significance. Last evaluated: 2025-10-13. Review status: criteria provided, single submitter. Criteria: Invitae Variant Classification Sherloc (09022015). Collection method: clinical testing. Allele origin: germline.
Comment: This sequence change replaces threonine, which is neutral and polar, with asparagine, which is neutral and polar, at codon 435 of the TAOK2 protein (p.Thr435Asn). This variant is present in population databases (rs774195295, gnomAD 0.003%). This variant has not been reported in the literature in individuals affected with TAOK2-related conditions. ClinVar contains an entry for this variant (Variation ID: 2900776). An algorithm developed to predict the effect of missense changes on protein structure and function (PolyPhen-2) suggests that this variant is likely to be tolerated. In summary, the available evidence is currently insufficient to determine the role of this variant in disease. Therefore, it has been classified as a Variant of Uncertain Significance.